The following is an entry in ClinVar:

NM_006147.4(IRF6):c.16C>T (p.Arg6Cys)

Gene: IRF6 (interferon regulatory factor 6; minus strand). Cytogenetic location: 1q32.2.
Variant type: single nucleotide variant.
Coding change: c.16C>T on transcript NM_006147.4 (MANE Select); coding-DNA position 16, C replaced by T.
Protein change: p.Arg6Cys; replaces arginine 6 with cysteine.
Molecular consequence: missense variant. On other transcripts: intron variant (1).
Genome position (GRCh38, 1-based): chr1:209,801,398, G>A on the plus strand (C>T on the coding strand, the complement: IRF6 is on the minus strand). VCF-style: chr1-209801398-G-A. GRCh37 (hg19) VCF-style: chr1-209974743-G-A.
Other names: c.-112+4549C>T (NM_001206696.2); short protein forms R6C.
Identifiers: ClinVar variation 3417 (VCV000003417.8), dbSNP rs28942094, ClinGen allele CA252759.
Genomic context (GRCh38, chr1:209,801,398, plus strand): 5'-GCCCAGGGTAGAGGCCACTATCCACCTGGGCCACCAGCCAGGGCTTTAGCCGGACTCTGC[G>A]GGGGTGGAGGGCCATGATCTGGGGGGGTCAGAGGGAGAAATGGGAAGAGCAGAAGAATTA-3'
Protein context (NP_006138.1, residues 1-16): MALHP[Arg6Cys]RVRLKPWLVA

ClinVar aggregate classification (germline): Pathogenic/Likely pathogenic. Review status: criteria provided, multiple submitters, no conflicts (2 of 4 stars). 6 submissions from 6 submitters: Pathogenic (3); Likely pathogenic (1). 1 of the submissions does not count toward it. Last evaluated 2025-05-27.

Conditions:
Van der Woude syndrome. Identifiers: Orphanet 888, MedGen C0175697, MONDO:0019508.
Orofacial cleft 6, susceptibility to (OFC6). Also called: CLEFT LIP WITH OR WITHOUT CLEFT PALATE, NONSYNDROMIC, 6. Identifiers: MedGen C1837213, MONDO:0012141, OMIM 608864.
Popliteal pterygium syndrome (PPS). Identifiers: Orphanet 294963, MedGen C0265259, MONDO:0017435.
IRF6-related condition. Also called: IRF6-related disorder; IRF6-Related Disorders. Identifiers: MedGen CN378148, MONDO:1040010.
Van der Woude syndrome 1. Also called: CLEFT LIP AND/OR PALATE WITH MUCOUS CYSTS OF LOWER LIP; van der Woude Syndrome (VWS). Identifiers: MedGen C4551864, MONDO:0007333, OMIM 119300.
Cleft palate. Identifiers: Orphanet 2014, MedGen C2981150, MONDO:0016064, HP:0000175.

Submissions (5):

Labcorp Genetics (formerly Invitae), Labcorp
Classification: Pathogenic for Orofacial cleft 6, susceptibility to; Van der Woude syndrome; Popliteal pterygium syndrome. Last evaluated: 2025-05-27. Review status: criteria provided, single submitter. Criteria: Invitae Variant Classification Sherloc (09022015). Collection method: clinical testing. Allele origin: germline.
Comment: This sequence change replaces arginine, which is basic and polar, with cysteine, which is neutral and slightly polar, at codon 6 of the IRF6 protein (p.Arg6Cys). This variant is not present in population databases (gnomAD no frequency). This missense change has been observed in individual(s) with Van der Woude syndrome (PMID: 12920575). It has also been observed to segregate with disease in related individuals. ClinVar contains an entry for this variant (Variation ID: 3417). Invitae Evidence Modeling of protein sequence and biophysical properties (such as structural, functional, and spatial information, amino acid conservation, physicochemical variation, residue mobility, and thermodynamic stability) indicates that this missense variant is expected to disrupt IRF6 protein function with a positive predictive value of 80%. For these reasons, this variant has been classified as Pathogenic.

Fulgent Genetics
Classification: Pathogenic for Van der Woude syndrome 1; Autosomal dominant popliteal pterygium syndrome; Orofacial cleft 6, susceptibility to. Last evaluated: 2018-10-31. Review status: criteria provided, single submitter. Criteria: ACMG Guidelines, 2015. Collection method: clinical testing. Allele origin: unknown.

GeneDx
Classification: Likely pathogenic. Last evaluated: 2016-07-13. Review status: criteria provided, single submitter. Criteria: GeneDx Variant Classification (06012015). Collection method: clinical testing. Allele origin: germline. Affected: yes.
Comment: The R6C variant has been published previously in association with van der Woude syndrome (Wang et al., 2003; de Lima et al., 2009; Desmyter et al., 2010). The variant was not observed in approximately 6,500 individuals of European and African American ancestry in the NHLBI Exome Sequencing Project, indicating it is not a common benign variant in these populations. R6C is a non-conservative amino acid substitution, which is likely to impact secondary protein structure as these residues differ in polarity, charge, size and/or other properties. This substitution occurs at a position that is conserved across species, and in silico analysis predicts this variant is probably damaging to the protein structure/function. Missense variants in the same residue (R6L/P) and in nearby residues (A2V, R9W/Q, P12L) have been reported in the Human Gene Mutation Database in association with van der Woude syndrome (Stenson et al., 2014), supporting the functional importance of this region of the protein. Therefore, this variant is likely pathogenic.

Centre for Mendelian Genomics, University Medical Centre Ljubljana
Classification: Pathogenic for Cleft palate. Last evaluated: 2015-08-31. Review status: criteria provided, single submitter. Criteria: ACMG Guidelines, 2015. Collection method: clinical testing. Allele origin: unknown. Affected: yes.

PreventionGenetics, part of Exact Sciences
Classification: Pathogenic for IRF6-related condition. Last evaluated: 2024-05-08. Review status: no assertion criteria provided. Collection method: clinical testing. Allele origin: germline. Not counted in ClinVar's aggregate classification.
Comment: The IRF6 c.16C>T variant is predicted to result in the amino acid substitution p.Arg6Cys. This variant has been reported in multiple individuals with Van der Woude syndrome and has been shown to segregate among affected family members (Wang et al 2003. PubMed ID: 12920575; Desmyter et al. 2010. PubMed ID: 21045959; de Lima et al 2009. PubMed ID: 19282774). This variant has not been reported in a large population database, indicating it is rare. This variant is interpreted as pathogenic.

Literature cited by the submitters: PubMed 12920575 (cited by Labcorp Genetics (formerly Invitae), Labcorp).